The following is an entry in ClinVar:

ClinVar aggregate classification (germline): Uncertain significance (1 of 4 stars; one submission).

Conditions:
Mitochondrial complex II deficiency, nuclear type 1. Also called: SUCCINATE CoQ REDUCTASE DEFICIENCY. Identifiers: Orphanet 3208, MedGen C5700310, MONDO:0100294, OMIM 252011.
Pheochromocytoma/paraganglioma syndrome 5. Also called: Paragangliomas 5; SDHA-Related Hereditary Paraganglioma-Pheochromocytoma Syndrome. Identifiers: Orphanet 29072, MedGen C3279992, MONDO:0013602, OMIM 614165.

Submission:

Labcorp Genetics (formerly Invitae), Labcorp
Classification: Uncertain significance for Pheochromocytoma/paraganglioma syndrome 5; Mitochondrial complex II deficiency, nuclear type 1. Last evaluated: 2024-05-21. Review status: criteria provided, single submitter. Criteria: Invitae Variant Classification Sherloc (09022015). Collection method: clinical testing. Allele origin: germline.
Comment: This sequence change replaces lysine, which is basic and polar, with threonine, which is neutral and polar, at codon 550 of the SDHA protein (p.Lys550Thr). This variant is not present in population databases (gnomAD no frequency). This variant has not been reported in the literature in individuals affected with SDHA-related conditions. Advanced modeling of protein sequence and biophysical properties (such as structural, functional, and spatial information, amino acid conservation, physicochemical variation, residue mobility, and thermodynamic stability) performed at Invitae indicates that this missense variant is not expected to disrupt SDHA protein function with a negative predictive value of 95%. In summary, the available evidence is currently insufficient to determine the role of this variant in disease. Therefore, it has been classified as a Variant of Uncertain Significance.

NM_004168.4(SDHA):c.1649A>C (p.Lys550Thr)

Gene: SDHA (succinate dehydrogenase complex flavoprotein subunit A; plus strand). Cytogenetic location: 5p15.33.
Variant type: single nucleotide variant.
Coding change: c.1649A>C on transcript NM_004168.4 (MANE Select); coding-DNA position 1649, A replaced by C.
Protein change: p.Lys550Thr; replaces lysine 550 with threonine.
Molecular consequence: missense variant. On other transcripts: intron variant (1).
Genome position (GRCh38, 1-based): chr5:251,089, A>C. VCF-style: chr5-251089-A-C. GRCh37 (hg19) VCF-style: chr5-251204-A-C.
Other names: c.1505A>C, p.Lys502Thr (NM_001294332.2); c.1552-3304A>C (NM_001330758.2); short protein forms K502T, K550T.
Identifiers: ClinVar variation 3754208 (VCV003754208.2).